The following is an entry in ClinVar:

ClinVar aggregate classification (germline): Uncertain significance (1 of 4 stars; one submission).

Conditions:
Joubert syndrome. Also called: CEREBELLOPARENCHYMAL DISORDER IV; JOUBERT-BOLTSHAUSER SYNDROME; Familial aplasia of the vermis. Identifiers: Orphanet 475, MedGen C5979921, MONDO:0018772.
Orofaciodigital syndrome I (OFD1). Also called: OFDS I; Papillon-Leage and Psaume Syndrome; Oral-Facial-Digital Syndrome Type I. Identifiers: Orphanet 2750, MedGen C1510460, MONDO:0010702, OMIM 311200.

Submission:

Labcorp Genetics (formerly Invitae), Labcorp
Classification: Uncertain significance for Orofaciodigital syndrome I; Joubert syndrome. Last evaluated: 2024-08-01. Review status: criteria provided, single submitter. Criteria: Invitae Variant Classification Sherloc (09022015). Collection method: clinical testing. Allele origin: germline.
Comment: This sequence change replaces methionine, which is neutral and non-polar, with leucine, which is neutral and non-polar, at codon 426 of the OFD1 protein (p.Met426Leu). This variant is not present in population databases (gnomAD no frequency). This variant has not been reported in the literature in individuals affected with OFD1-related conditions. Advanced modeling of protein sequence and biophysical properties (such as structural, functional, and spatial information, amino acid conservation, physicochemical variation, residue mobility, and thermodynamic stability) performed at Invitae indicates that this missense variant is not expected to disrupt OFD1 protein function with a negative predictive value of 80%. In summary, the available evidence is currently insufficient to determine the role of this variant in disease. Therefore, it has been classified as a Variant of Uncertain Significance.

NM_003611.3(OFD1):c.1276A>C (p.Met426Leu)

Gene: OFD1 (OFD1 centriole and centriolar satellite protein; plus strand). Cytogenetic location: Xp22.2.
Variant type: single nucleotide variant.
Coding change: c.1276A>C on transcript NM_003611.3 (MANE Select); coding-DNA position 1276, A replaced by C.
Protein change: p.Met426Leu; replaces methionine 426 with leucine.
Molecular consequence: missense variant.
Genome position (GRCh38, 1-based): chrX:13,756,632, A>C. VCF-style: chrX-13756632-A-C. GRCh37 (hg19) VCF-style: chrX-13774751-A-C.
Other names: c.1156A>C, p.Met386Leu (NM_001330209.2); c.856A>C, p.Met286Leu (NM_001330210.2); short protein forms M286L, M386L, M426L.
Identifiers: ClinVar variation 3757512 (VCV003757512.2).
Genomic context (GRCh38, chrX:13,756,632, plus strand): 5'-TTTTAGCTTGAATTAGAGTCTGTCAAAGCCCAGTCTTTGGCAATAACAAAACAAAACCAT[A>C]TGCTGAATGAAAAGGTTAAAGAGATGAGTGATTATTCACTACTAAAAGAAGAGAAACTGG-3'
Protein context (NP_003602.1, residues 416-436): QSLAITKQNH[Met426Leu]LNEKVKEMSD